The following is an entry in ClinVar:

NM_001367624.2(ZNF469):c.5126A>T (p.Gln1709Leu)

Gene: ZNF469 (zinc finger protein 469; plus strand). Cytogenetic location: 16q24.2.
Variant type: single nucleotide variant.
Coding change: c.5126A>T on transcript NM_001367624.2 (MANE Select); coding-DNA position 5126, A replaced by T.
Protein change: p.Gln1709Leu; replaces glutamine 1709 with leucine.
Molecular consequence: missense variant.
Genome position (GRCh38, 1-based): chr16:88,432,596, A>T. VCF-style: chr16-88432596-A-T. GRCh37 (hg19) VCF-style: chr16-88499004-A-T.
Other names: NM_001127464.1:c.5042A>T; short protein forms Q1709L.
Identifiers: ClinVar variation 1744957 (VCV001744957.2), dbSNP rs904063983, ClinGen allele CA397095442.

ClinVar aggregate classification (germline): Uncertain significance (1 of 4 stars; one submission).

Conditions:
Cardiovascular phenotype. Identifiers: MedGen CN230736.

Submission:

Ambry Genetics
Classification: Uncertain significance for Cardiovascular phenotype. Last evaluated: 2022-03-22. Review status: criteria provided, single submitter. Criteria: Ambry Variant Classification Scheme 2023. Collection method: clinical testing. Allele origin: germline.
Comment: The p.Q1681L variant (also known as c.5042A>T), located in coding exon 2 of the ZNF469 gene, results from an A to T substitution at nucleotide position 5042. The glutamine at codon 1681 is replaced by leucine, an amino acid with dissimilar properties. This amino acid position is conserved. In addition, this alteration is predicted to be tolerated by in silico analysis. Since supporting evidence is limited at this time, the clinical significance of this alteration remains unclear.